The following is an entry in ClinVar:

NM_007215.4(POLG2):c.127C>T (p.His43Tyr)

Genes: MILR1 (mast cell immunoglobulin like receptor 1; plus strand), POLG2 (DNA polymerase gamma 2, accessory subunit; minus strand). Cytogenetic location: 17q23.3.
Variant type: single nucleotide variant.
Coding change: c.127C>T on transcript NM_007215.4 (MANE Select); coding-DNA position 127, C replaced by T.
Protein change: p.His43Tyr; replaces histidine 43 with tyrosine.
Molecular consequence: missense variant.
Genome position (GRCh38, 1-based): chr17:64,496,842, G>A on the plus strand (C>T on the coding strand, the complement: POLG2 is on the minus strand). VCF-style: chr17-64496842-G-A. GRCh37 (hg19) VCF-style: chr17-62492960-G-A.
Other names: short protein forms H43Y.
Identifiers: ClinVar variation 1421785 (VCV001421785.6), dbSNP rs868917548, ClinGen allele CA400641592.

ClinVar aggregate classification (germline): Uncertain significance (1 of 4 stars; one submission).

Allele frequency attached by ClinVar (database versions not stated): gnomAD exomes below 0.00001 and 0.00002; gnomAD 0.00003; TOPMed 0.00003.
gnomAD v4.1: 29 of 1,613,634 alleles (0.0018%); highest among the groups gnomAD compares: Middle Eastern, 0.082%; no homozygotes.

Submission:

Labcorp Genetics (formerly Invitae), Labcorp
Classification: Uncertain significance. Last evaluated: 2024-08-08. Review status: criteria provided, single submitter. Criteria: Invitae Variant Classification Sherloc (09022015). Collection method: clinical testing. Allele origin: germline.
Comment: This sequence change replaces histidine, which is basic and polar, with tyrosine, which is neutral and polar, at codon 43 of the POLG2 protein (p.His43Tyr). This variant is present in population databases (no rsID available, gnomAD 0.0009%). This variant has not been reported in the literature in individuals affected with POLG2-related conditions. ClinVar contains an entry for this variant (Variation ID: 1421785). An algorithm developed to predict the effect of missense changes on protein structure and function (PolyPhen-2) suggests that this variant is likely to be tolerated. In summary, the available evidence is currently insufficient to determine the role of this variant in disease. Therefore, it has been classified as a Variant of Uncertain Significance.